The following is an entry in ClinVar:

NM_001040108.2(MLH3):c.85C>G (p.Leu29Val)

Gene: MLH3 (mutL homolog 3; minus strand). Cytogenetic location: 14q24.3.
Variant type: single nucleotide variant.
Coding change: c.85C>G on transcript NM_001040108.2 (MANE Select); coding-DNA position 85, C replaced by G.
Protein change: p.Leu29Val; replaces leucine 29 with valine.
Molecular consequence: missense variant.
Genome position (GRCh38, 1-based): chr14:75,049,571, G>C on the plus strand (C>G on the coding strand, the complement: MLH3 is on the minus strand). VCF-style: chr14-75049571-G-C. GRCh37 (hg19) VCF-style: chr14-75516274-G-C.
Other names: c.85C>G, p.Leu29Val (NM_014381.3); short protein forms L29V.
Identifiers: ClinVar variation 1763999 (VCV001763999.2), dbSNP rs2503337915, ClinGen allele CA390451682.

ClinVar aggregate classification (germline): Uncertain significance (1 of 4 stars; one submission).

Submission:

Ambry Genetics
Classification: Uncertain significance. Last evaluated: 2024-01-20. Review status: criteria provided, single submitter. Criteria: Ambry Variant Classification Scheme 2023. Collection method: clinical testing. Allele origin: germline.
Comment: The p.L29V variant (also known as c.85C>G), located in coding exon 1 of the MLH3 gene, results from a C to G substitution at nucleotide position 85. The leucine at codon 29 is replaced by valine, an amino acid with highly similar properties. This amino acid position is conserved. In addition, this alteration is predicted to be deleterious by in silico analysis. Since supporting evidence is limited at this time, the clinical significance of this alteration remains unclear.